The following is an entry in ClinVar:

NM_002303.6(LEPR):c.3480G>A (p.Met1160Ile)

Gene: LEPR (leptin receptor; plus strand). Cytogenetic location: 1p31.3.
Variant type: single nucleotide variant.
Coding change: c.3480G>A on transcript NM_002303.6 (MANE Select); coding-DNA position 3480, G replaced by A.
Protein change: p.Met1160Ile; replaces methionine 1160 with isoleucine.
Molecular consequence: missense variant.
Genome position (GRCh38, 1-based): chr1:65,636,997, G>A. VCF-style: chr1-65636997-G-A. GRCh37 (hg19) VCF-style: chr1-66102680-G-A.
Other names: short protein forms M1160I.
Identifiers: ClinVar variation 4986653 (VCV004986653.1).
Genomic context (GRCh38, chr1:65,636,997, plus strand): 5'-TTACATGCCTCAATTCCAAACTTGTTCTACTCAGACTCATAAGATCATGGAAAACAAGAT[G>A]TGTGACCTAACTGTGTAATTTCACTGAAGAAACCTTCAGATTTGTGTTATAATGGGTAAT-3'
Protein context (NP_002294.2, residues 1150-1165): TQTHKIMENK[Met1160Ile]CDLTV

ClinVar aggregate classification (germline): Uncertain significance (1 of 4 stars; one submission).

Conditions:
LEPR-related disorder. Also called: LEPR-related disorders; LEPR-related condition.

Submission:

PreventionGenetics, part of Exact Sciences
Classification: Uncertain significance for LEPR-related condition. Last evaluated: 2026-06-27. Review status: criteria provided, single submitter. Criteria: ACMG Guidelines, 2015. Collection method: clinical testing. Allele origin: germline.
Comment: The LEPR c.3480G>A variant is predicted to result in the amino acid substitution p.Met1160Ile. This variant has been observed in a cohort of individuals with obesity, and in vitro functional studies showed function similar to wild-type levels (Supplemental Data Set, Shah et al. 2023. PubMed ID: 36864747). This variant has not been reported in a large population database (gnomAD), indicating it is rare. At this time, the clinical significance of this variant is uncertain due to the absence of conclusive functional and genetic evidence.